The following is an entry in ClinVar:

NM_002691.4(POLD1):c.2853C>T (p.Pro951=)

Gene: POLD1 (DNA polymerase delta 1, catalytic subunit; plus strand). Cytogenetic location: 19q13.33.
Variant type: single nucleotide variant.
Coding change: c.2853C>T on transcript NM_002691.4 (MANE Select); coding-DNA position 2853, C replaced by T.
Protein change: p.Pro951=; no amino-acid change (proline 951 retained).
Molecular consequence: synonymous variant. On other transcripts: non-coding transcript variant (1).
Genome position (GRCh38, 1-based): chr19:50,416,428, C>T. VCF-style: chr19-50416428-C-T. GRCh37 (hg19) VCF-style: chr19-50919685-C-T.
Other names: c.2853C>T (NM_002691.2, NM_002691.3); c.2853C>T, p.Pro951= (NM_001256849.1); c.2931C>T, p.Pro977= (NM_001308632.1).
Identifiers: ClinVar variation 1141906 (VCV001141906.12), dbSNP rs2039292886, ClinGen allele CA508186442.

ClinVar aggregate classification (germline): Likely benign. Review status: criteria provided, multiple submitters, no conflicts (2 of 4 stars). 3 submissions from 3 submitters: Likely benign (2). 1 of the submissions does not count toward it. Last evaluated 2025-04-08.

Conditions:
Hereditary cancer-predisposing syndrome. Also called: Hereditary neoplastic syndrome; Neoplastic Syndromes, Hereditary; Tumor predisposition; Hereditary Cancer Syndrome. Identifiers: Orphanet 140162, MedGen C0027672, MeSH D009386, MONDO:0015356.
POLD1-related polyposis and colorectal cancer syndrome (CRCS10). Also called: Colorectal cancer, susceptibility to, 10; Colorectal cancer 10; COLORECTAL CANCER, SUSCEPTIBILITY TO, ON CHROMOSOME 19q. Identifiers: Orphanet 220460, MedGen C2675481, MONDO:0012953, OMIM 612591.
POLD1-related disorder. Also called: POLD1-related disorders; POLD1-related condition.

Submissions (3):

Labcorp Genetics (formerly Invitae), Labcorp
Classification: Likely benign for POLD1-related polyposis and colorectal cancer syndrome. Last evaluated: 2025-04-08. Review status: criteria provided, single submitter. Criteria: Invitae Variant Classification Sherloc (09022015). Collection method: clinical testing. Allele origin: germline.

Ambry Genetics
Classification: Likely benign for Hereditary cancer-predisposing syndrome. Last evaluated: 2024-08-12. Review status: criteria provided, single submitter. Criteria: Ambry Variant Classification Scheme 2023. Collection method: clinical testing. Allele origin: germline.

PreventionGenetics, part of Exact Sciences
Classification: Likely benign for POLD1-related condition. Last evaluated: 2021-04-06. Review status: no assertion criteria provided. Collection method: clinical testing. Allele origin: germline. Not counted in ClinVar's aggregate classification.
Comment: This variant is classified as likely benign based on ACMG/AMP sequence variant interpretation guidelines (Richards et al. 2015 PMID: 25741868, with internal and published modifications).